The following is an entry in ClinVar:

NM_015338.6(ASXL1):c.1576T>A (p.Ser526Thr)

Gene: ASXL1 (ASXL transcriptional regulator 1; plus strand). Cytogenetic location: 20q11.21.
Variant type: single nucleotide variant.
Coding change: c.1576T>A on transcript NM_015338.6 (MANE Select); coding-DNA position 1576, T replaced by A.
Protein change: p.Ser526Thr; replaces serine 526 with threonine.
Molecular consequence: missense variant.
Genome position (GRCh38, 1-based): chr20:32,433,774, T>A. VCF-style: chr20-32433774-T-A. GRCh37 (hg19) VCF-style: chr20-31021577-T-A.
Other names: c.1393T>A, p.Ser465Thr (NM_001363734.1); short protein forms S526T, S465T.
Identifiers: ClinVar variation 1427682 (VCV001427682.8), dbSNP rs1266341581, ClinGen allele CA408557427.

ClinVar aggregate classification (germline): Uncertain significance (1 of 4 stars; one submission).

Allele frequency attached by ClinVar (database versions not stated): gnomAD exomes below 0.00001 and 0.00001; gnomAD 0.00001; TOPMed 0.00001.
gnomAD v4.1: 17 of 1,613,982 alleles (0.0011%); highest among the groups gnomAD compares: Non-Finnish European, 0.0014%; no homozygotes.

Submission:

Labcorp Genetics (formerly Invitae), Labcorp
Classification: Uncertain significance. Last evaluated: 2025-11-15. Review status: criteria provided, single submitter. Criteria: Invitae Variant Classification Sherloc (09022015). Collection method: clinical testing. Allele origin: germline.
Comment: This sequence change replaces serine, which is neutral and polar, with threonine, which is neutral and polar, at codon 526 of the ASXL1 protein (p.Ser526Thr). This variant is present in population databases (no rsID available, gnomAD 0.002%). This variant has not been reported in the literature in individuals affected with ASXL1-related conditions. ClinVar contains an entry for this variant (Variation ID: 1427682). An algorithm developed to predict the effect of missense changes on protein structure and function (PolyPhen-2) suggests that this variant is likely to be disruptive. In summary, the available evidence is currently insufficient to determine the role of this variant in disease. Therefore, it has been classified as a Variant of Uncertain Significance.